The following is an entry in ClinVar:

ClinVar aggregate classification (germline): Benign (0 of 4 stars; one submission).

Conditions:
QRICH2-related disorder. Also called: QRICH2-related condition.

Allele frequency attached by ClinVar (database versions not stated): gnomAD exomes 0.08013; ESP Exome Variant Server 0.10172; 1000 Genomes Project 0.10623; TOPMed 0.11210; 1000 Genomes Project 30x 0.11259; ExAC 0.08865; gnomAD 0.10090.
gnomAD v4.1: 132,163 of 1,607,422 alleles (8.2%); highest among the groups gnomAD compares: Admixed American, 18%; 6,471 homozygotes.

Submission:

PreventionGenetics, part of Exact Sciences
Classification: Benign for QRICH2-related condition. Last evaluated: 2019-10-29. Review status: no assertion criteria provided. Collection method: clinical testing. Allele origin: germline.
Comment: This variant is classified as benign based on ACMG/AMP sequence variant interpretation guidelines (Richards et al. 2015 PMID: 25741868, with internal and published modifications).

NM_001388453.1(QRICH2):c.4264-5C>T

Gene: QRICH2 (glutamine rich 2; minus strand). Cytogenetic location: 17q25.1.
Variant type: single nucleotide variant.
Coding change: c.4264-5C>T on transcript NM_001388453.1 (MANE Select); 5 bases into the intron before coding-DNA position 4264, C replaced by T.
Molecular consequence: intron variant.
Genome position (GRCh38, 1-based): chr17:76,280,958, G>A on the plus strand (C>T on the coding strand, the complement: QRICH2 is on the minus strand). VCF-style: chr17-76280958-G-A. GRCh37 (hg19) VCF-style: chr17-74277039-G-A.
Other names: c.4264-5C>T (NM_032134.3).
Identifiers: ClinVar variation 3060505 (VCV003060505.2), dbSNP rs72868908, ClinGen allele CA8783584.